The following is an entry in ClinVar:

ClinVar aggregate classification (germline): Pathogenic (3 of 4 stars; one submission).

Conditions:
Breast-ovarian cancer, familial, susceptibility to, 1 (BROVCA1). Also called: BRCA1 Hereditary Breast and Ovarian Cancer; OVARIAN CANCER, SUSCEPTIBILITY TO. Identifiers: Orphanet 145, MedGen C2676676, MONDO:0011450, OMIM 604370. Disease mechanism: loss of function.

Submission:

Evidence-based Network for the Interpretation of Germline Mutant Alleles (ENIGMA)
Classification: Pathogenic for Breast-ovarian cancer, familial, susceptibility to, 1. Last evaluated: 2017-12-15. Review status: reviewed by expert panel. Criteria: ENIGMA BRCA1/2 Classification Criteria (2017-06-29). Collection method: curation. Allele origin: germline. Study: ENIGMA.
Comment: Variant allele predicted to encode a truncated non-functional protein.

NM_007294.4(BRCA1):c.3580_3581insT (p.Thr1194fs)

Genes: BRCA1 (BRCA1 DNA repair associated; minus strand), LOC126862571 (BRD4-independent group 4 enhancer GRCh37_chr17:41243136-41244335; plus strand). Cytogenetic location: 17q21.31.
Variant type: Insertion.
Coding change: c.3580_3581insT on transcript NM_007294.4 (MANE Select); coding-DNA positions 3580 to 3581, T inserted.
Protein change: p.Thr1194fs; shifts the reading frame from threonine 1194.
Molecular consequence: frameshift variant. On other transcripts: intron variant (135).
Genome position: GRCh38 VCF-style: chr17-43091950-G-GA. GRCh37 (hg19) VCF-style: chr17-41243967-G-GA.
Other names: c.3439_3440insT, p.Thr1147fs (NM_001407852.1, NM_001407942.1, NM_001407944.1 and 29 more transcripts); c.3367_3368insT, p.Thr1123fs (NM_001407853.1, NM_001407894.1, NM_001407895.1 and 9 more transcripts); c.3580_3581insT, p.Thr1194fs (NM_001407854.1, NM_001407858.1, NM_001407859.1 and 30 more transcripts); c.3577_3578insT, p.Thr1193fs (NM_001407860.1, NM_001407861.1, NM_001407587.1 and 22 more transcripts); c.3379_3380insT, p.Thr1127fs (NM_001407862.1); c.3457_3458insT, p.Thr1153fs (NM_001407863.1, NM_001407919.1, NM_001407937.1 and 19 more transcripts); c.3376_3377insT, p.Thr1126fs (NM_001407874.1, NM_001407875.1); c.3370_3371insT, p.Thr1124fs (NM_001407879.1, NM_001407881.1, NM_001407882.1 and 13 more transcripts); and 41 more; short protein forms T1194fs, T1147fs, T1067fs, T1167fs, T1066fs, T1123fs, T1124fs, T1146fs.
Identifiers: ClinVar variation 548232 (VCV000548232.2), dbSNP rs1555587464, ClinGen allele CA658823969.
Genomic context (GRCh38, chr17:43,091,950, plus strand): 5'-TCTTCTGAGGACTCTAATTTCTTGGCCCCTCTTCGGTAACCCTGAGCCAAATGTGTATGG[G>GA]TGAAAGGGCTAGGACTCCTGCTAAGCTCTCCTTTCTGGACGCTTTTGCTAAAAACAGCAG-3'